The following is an entry in ClinVar:

ClinVar aggregate classification (germline): Conflicting classifications of pathogenicity. Review status: criteria provided, conflicting classifications (1 of 4 stars). 2 submissions from 2 submitters: Uncertain significance (1); Likely benign (1). Last evaluated 2023-11-06.

Conditions:
Myopathy, centronuclear, 2 (CNM2). Also called: MYOTUBULAR MYOPATHY, AUTOSOMAL RECESSIVE. Identifiers: Orphanet 169186, MedGen CN031787, MONDO:0009709, OMIM 255200.

Allele frequency attached by ClinVar (database versions not stated): ExAC 0.00002; gnomAD exomes below 0.00001.
gnomAD v4.1: 5 of 1,600,684 alleles (0.00031%); highest among the groups gnomAD compares: South Asian, 0.0045%; no homozygotes.

Submissions (2):

Labcorp Genetics (formerly Invitae), Labcorp
Classification: Likely benign for Myopathy, centronuclear, 2. Last evaluated: 2023-11-06. Review status: criteria provided, single submitter. Criteria: Invitae Variant Classification Sherloc (09022015). Collection method: clinical testing. Allele origin: germline.

GeneDx
Classification: Uncertain significance. Last evaluated: 2019-05-15. Review status: criteria provided, single submitter. Criteria: GeneDx Variant Classification Process June 2021. Collection method: clinical testing. Allele origin: germline. Affected: yes.
Comment: Not observed at a significant frequency in large population cohorts (Lek et al., 2016); In-silico analysis, which includes splice predictors and evolutionary conservation, is inconclusive as to whether the variant alters gene splicing. In the absence of RNA/functional studies, the actual effect of this sequence change is unknown.; Has not been previously published as pathogenic or benign to our knowledge

NM_139343.3(BIN1):c.775-6C>G

Gene: BIN1 (bridging integrator 1; minus strand). Cytogenetic location: 2q14.3.
Variant type: single nucleotide variant.
Coding change: c.775-6C>G on transcript NM_139343.3 (MANE Select); 6 bases into the intron before coding-DNA position 775, C replaced by G.
Molecular consequence: intron variant.
Genome position (GRCh38, 1-based): chr2:127,062,203, G>C on the plus strand (C>G on the coding strand, the complement: BIN1 is on the minus strand). VCF-style: chr2-127062203-G-C. GRCh37 (hg19) VCF-style: chr2-127819779-G-C.
Other names: c.694-6C>G (NM_001320642.1); c.610-6C>G (NM_001320634.1); c.682-6C>G (NM_139351.3, NM_139350.3, NM_139349.3 and 6 more transcripts); c.775-6C>G (NM_001320633.2, NM_139345.3, NM_139344.3 and 1 more transcripts).
Identifiers: ClinVar variation 1305848 (VCV001305848.5), dbSNP rs753202898, ClinGen allele CA1857325.
Genomic context (GRCh38, chr2:127,062,203, plus strand): 5'-TGCTCCCGTGTTGCTTCTCCAGGCCGACCAGCACATCATTGAGGTTCTGGTTGAGCTGCA[G>C]GAGAGACAGTGAGGAGGTGGGGGGCCTCCAAGGCCACCAAACGGCCCCACCTTCCCCAAA-3'